The following is an entry in ClinVar:

NM_001009944.3(PKD1):c.10669del (p.Leu3557fs)

Genes: PKD1 (polycystin 1, transient receptor potential channel interacting; minus strand), PKD1-AS1 (PKD1 antisense RNA 1; plus strand). Cytogenetic location: 16p13.3.
Variant type: Deletion.
Coding change: c.10669del on transcript NM_001009944.3 (MANE Select); coding-DNA position 10669, one base deleted (C; older notation c.10669delC).
Protein change: p.Leu3557fs; shifts the reading frame from leucine 3557.
Molecular consequence: frameshift variant.
Genome position (GRCh38, 1-based): chr16:2,093,963, G deleted on the plus strand (C on the coding strand, the reverse complement: PKD1 is on the minus strand); the first of 3 consecutive G bases (chr16:2,093,963-2,093,965); deleting any one gives the same sequence. VCF-style (leftmost placement, unchanged base first): chr16-2093962-AG-A. GRCh37 (hg19) VCF-style: chr16-2143963-AG-A.
Other names: c.10666del, p.Leu3556fs (NM_000296.4); c.10667delC, p.Leu3557Trpfs (NM_001009944.2); short protein forms L3556fs, L3557fs.
Identifiers: ClinVar variation 3371615 (VCV003371615.2).
Genomic context (GRCh38, chr16:2,093,962, plus strand): 5'-CCCACCCACCCTGAGACAGCCACAGCCACAGCCACCAGGAGCAGGCTGAGCCCGTGGGCC[AG>A]GGAGGCACACCAGGCCGGCAGCAGGCGCTTCCGCAGACCCTCCACCAGTCCTGGGGAAGC-3'

ClinVar aggregate classification (germline): Pathogenic. Review status: criteria provided, multiple submitters, no conflicts (2 of 4 stars). 2 submissions from 2 submitters: Pathogenic (2). Last evaluated 2024-05-24.

Conditions:
Polycystic kidney disease, adult type (PKD1). Also called: POLYCYSTIC KIDNEY DISEASE, ADULT, TYPE I; Polycystic Kidney Disease 1, Autosomal Dominant; Polycystic kidney disease 1; Polycystic kidney disease 1, severe; Polycystic Kidney, Autosomal Dominant; POLYCYSTIC KIDNEY DISEASE 1 WITH OR WITHOUT POLYCYSTIC LIVER DISEASE. Identifiers: MedGen C3149841, MONDO:0008263, OMIM 173900.

Submissions (2):

Fulgent Genetics
Classification: Pathogenic for Polycystic kidney disease, adult type. Last evaluated: 2024-05-24. Review status: criteria provided, single submitter. Criteria: ACMG Guidelines, 2015. Collection method: clinical testing. Allele origin: germline.

GeneDx
Classification: Pathogenic. Last evaluated: 2024-04-04. Review status: criteria provided, single submitter. Criteria: GeneDx Variant Classification Process June 2021. Collection method: clinical testing. Allele origin: germline. Affected: yes.
Comment: Frameshift variant predicted to result in protein truncation or nonsense mediated decay in a gene for which loss of function is a known mechanism of disease; Not observed at significant frequency in large population cohorts (gnomAD); Has not been previously published as pathogenic or benign to our knowledge